The following is an entry in ClinVar:

ClinVar aggregate classification (germline): Uncertain significance (1 of 4 stars; one submission).

Conditions:
Intellectual developmental disorder, autosomal dominant 1. Also called: MBD5 Haploinsufficiency; Intellectual disability, autosomal dominant 1. Identifiers: Orphanet 228402, MedGen C1969562, MONDO:0007974, OMIM 156200.

Allele frequency attached by ClinVar (database versions not stated): gnomAD exomes below 0.00001.
gnomAD v4.1: 1 of 1,614,068 alleles (0.000062%); highest among the groups gnomAD compares: South Asian, 0.0011%; no homozygotes.

Submission:

Labcorp Genetics (formerly Invitae), Labcorp
Classification: Uncertain significance for Intellectual developmental disorder, autosomal dominant 1. Last evaluated: 2022-02-03. Review status: criteria provided, single submitter. Criteria: Invitae Variant Classification Sherloc (09022015). Collection method: clinical testing. Allele origin: germline.
Comment: This sequence change replaces alanine, which is neutral and non-polar, with threonine, which is neutral and polar, at codon 994 of the MBD5 protein (p.Ala994Thr). In summary, the available evidence is currently insufficient to determine the role of this variant in disease. Therefore, it has been classified as a Variant of Uncertain Significance. Algorithms developed to predict the effect of missense changes on protein structure and function output the following: SIFT: "Deleterious"; PolyPhen-2: "Not Available"; Align-GVGD: "Class C0". The threonine amino acid residue is found in multiple mammalian species, which suggests that this missense change does not adversely affect protein function. This variant has not been reported in the literature in individuals affected with MBD5-related conditions. This variant is not present in population databases (gnomAD no frequency).

NM_001378120.1(MBD5):c.3679G>A (p.Ala1227Thr)

Gene: MBD5 (methyl-CpG binding domain protein 5; plus strand). Cytogenetic location: 2q23.1.
Variant type: single nucleotide variant.
Coding change: c.3679G>A on transcript NM_001378120.1 (MANE Select); coding-DNA position 3679, G replaced by A.
Protein change: p.Ala1227Thr; replaces alanine 1227 with threonine.
Molecular consequence: missense variant.
Genome position (GRCh38, 1-based): chr2:148,485,876, G>A. VCF-style: chr2-148485876-G-A. GRCh37 (hg19) VCF-style: chr2-149243445-G-A.
Other names: c.2980G>A, p.Ala994Thr (NM_018328.5); short protein forms A1227T, A994T.
Identifiers: ClinVar variation 2041365 (VCV002041365.4), dbSNP rs2469996619, ClinGen allele CA348724637.
Genomic context (GRCh38, chr2:148,485,876, plus strand): 5'-CAGATGTTTCCTCCAAATCAGCAACAGCAGCAACTTCTCCAGGGGTACCAGAATCTCCAG[G>A]CGTTCCAAGGACAGTCCACAATTCCTTGCCCAGCTAACAATAACCCCATGGCTTGTCTGT-3'
Protein context (NP_001365049.1, residues 1217-1237): QLLQGYQNLQ[Ala1227Thr]FQGQSTIPCP